The following is an entry in ClinVar:

NM_004336.5(BUB1):c.2844del (p.Gln949fs)

Gene: BUB1 (BUB1 mitotic checkpoint serine/threonine kinase; minus strand). Cytogenetic location: 2q13.
Variant type: Deletion.
Coding change: c.2844del on transcript NM_004336.5 (MANE Select); coding-DNA position 2844, one base deleted (T; older notation c.2844delT).
Protein change: p.Gln949fs; shifts the reading frame from glutamine 949.
Molecular consequence: frameshift variant.
Genome position (GRCh38, 1-based): chr2:110,641,145, A deleted on the plus strand (T on the coding strand, the reverse complement: BUB1 is on the minus strand). VCF-style (leftmost placement, unchanged base first): chr2-110641144-GA-G. GRCh37 (hg19) VCF-style: chr2-111398721-GA-G.
Other names: c.2784del, p.Gln929fs (NM_001278616.2); c.2673del, p.Gln892fs (NM_001278617.2); short protein forms Q929fs, Q892fs, Q949fs.
Identifiers: ClinVar variation 5006057 (VCV005006057.2).

ClinVar aggregate classification (germline): Uncertain significance (1 of 4 stars; one submission).

Conditions:
Microcephaly 30, primary, autosomal recessive (MCPH30). Identifiers: MedGen C5774280, MONDO:0859342, OMIM 620183.
Colorectal cancer. Also called: Colorectal cancer, somatic; Malignant Colorectal Neoplasm. Identifiers: MedGen C0346629, MONDO:0005575, OMIM 114500.

Submission:

Juno Genomics, Hangzhou Juno Genomics, Inc
Classification: Uncertain significance for Microcephaly 30, primary, autosomal recessive; Colorectal cancer. Review status: criteria provided, single submitter. Criteria: ACMG Guidelines, 2015. Collection method: clinical testing. Allele origin: germline.
Comment: Absent from controls (or at extremely low frequency if recessive) in Genome Aggregation Database.